The following is an entry in ClinVar:

ClinVar aggregate classification (germline): Likely pathogenic (1 of 4 stars; one submission).

Allele frequency attached by ClinVar (database versions not stated): gnomAD exomes below 0.00001.
gnomAD v4.1: 1 of 1,612,842 alleles (0.000062%); highest among the groups gnomAD compares: Non-Finnish European, 0.000085%; no homozygotes.

Submission:

Labcorp Genetics (formerly Invitae), Labcorp
Classification: Likely pathogenic. Last evaluated: 2023-02-10. Review status: criteria provided, single submitter. Criteria: Invitae Variant Classification Sherloc (09022015). Collection method: clinical testing. Allele origin: germline.
Comment: This sequence change affects an acceptor splice site in intron 23 of the MYO7A gene. It is expected to disrupt RNA splicing. Variants that disrupt the donor or acceptor splice site typically lead to a loss of protein function (PMID: 16199547), and loss-of-function variants in MYO7A are known to be pathogenic (PMID: 8900236, 25404053). This variant is not present in population databases (gnomAD no frequency). This variant has not been reported in the literature in individuals affected with MYO7A-related conditions. Algorithms developed to predict the effect of sequence changes on RNA splicing suggest that this variant may disrupt the consensus splice site. In summary, the currently available evidence indicates that the variant is pathogenic, but additional data are needed to prove that conclusively. Therefore, this variant has been classified as Likely Pathogenic.

Literature cited by the submitters: PubMed 16199547; PubMed 8900236; PubMed 25404053.

NM_000260.4(MYO7A):c.2905-2A>G

Gene: MYO7A (myosin VIIA; plus strand). Cytogenetic location: 11q13.5.
Variant type: single nucleotide variant.
Coding change: c.2905-2A>G on transcript NM_000260.4 (MANE Select); the canonical splice acceptor site of the intron before coding-DNA position 2905, A replaced by G.
Molecular consequence: splice acceptor variant.
Genome position (GRCh38, 1-based): chr11:77,181,949, A>G. VCF-style: chr11-77181949-A-G. GRCh37 (hg19) VCF-style: chr11-76892995-A-G.
Other names: c.2872-2A>G (NM_001369365.1); c.2905-2A>G (NM_001127180.2).
Identifiers: ClinVar variation 2836034 (VCV002836034.3), dbSNP rs782504358, ClinGen allele CA381943750.